The following is an entry in ClinVar:

ClinVar aggregate classification (germline): Uncertain significance (1 of 4 stars; one submission).

Conditions:
Granulomatous disease, chronic, X-linked. Also called: CYTOCHROME b-NEGATIVE GRANULOMATOUS DISEASE, CHRONIC, X-LINKED; GRANULOMATOUS DISEASE, CHRONIC, X-LINKED, SOMATIC MOSAIC. Identifiers: Orphanet 379, MedGen C1844376, MONDO:0010600, OMIM 306400.

Submission:

Labcorp Genetics (formerly Invitae), Labcorp
Classification: Uncertain significance for Granulomatous disease, chronic, X-linked. Last evaluated: 2024-01-08. Review status: criteria provided, single submitter. Criteria: Invitae Variant Classification Sherloc (09022015). Collection method: clinical testing. Allele origin: germline.
Comment: This sequence change replaces asparagine, which is neutral and polar, with histidine, which is basic and polar, at codon 7 of the CYBB protein (p.Asn7His). This variant is not present in population databases (gnomAD no frequency). This variant has not been reported in the literature in individuals affected with CYBB-related conditions. Advanced modeling of protein sequence and biophysical properties (such as structural, functional, and spatial information, amino acid conservation, physicochemical variation, residue mobility, and thermodynamic stability) has been performed at Invitae for this missense variant, however the output from this modeling did not meet the statistical confidence thresholds required to predict the impact of this variant on CYBB protein function. In summary, the available evidence is currently insufficient to determine the role of this variant in disease. Therefore, it has been classified as a Variant of Uncertain Significance.

NM_000397.4(CYBB):c.19A>C (p.Asn7His)

Gene: CYBB (cytochrome b-245 beta chain; plus strand). Cytogenetic location: Xp21.1.
Variant type: single nucleotide variant.
Coding change: c.19A>C on transcript NM_000397.4 (MANE Select); coding-DNA position 19, A replaced by C.
Protein change: p.Asn7His; replaces asparagine 7 with histidine.
Molecular consequence: missense variant.
Genome position (GRCh38, 1-based): chrX:37,780,096, A>C. VCF-style: chrX-37780096-A-C. GRCh37 (hg19) VCF-style: chrX-37639349-A-C.
Other names: short protein forms N7H.
Identifiers: ClinVar variation 2994136 (VCV002994136.3), dbSNP rs1890282710, ClinGen allele CA412971946.